The following is an entry in ClinVar:

NM_001267550.2(TTN):c.30598+1G>T

Gene: TTN (titin; minus strand). Cytogenetic location: 2q31.2.
Variant type: single nucleotide variant.
Coding change: c.30598+1G>T on transcript NM_001267550.2 (MANE Select); the canonical splice donor site of the intron after coding-DNA position 30598, G replaced by T.
Molecular consequence: splice donor variant. On other transcripts: intron variant (3).
Genome position (GRCh38, 1-based): chr2:178,701,527, C>A on the plus strand (G>T on the coding strand, the complement: TTN is on the minus strand). VCF-style: chr2-178701527-C-A. GRCh37 (hg19) VCF-style: chr2-179566254-C-A.
Other names: c.13282+36555G>T (NM_003319.4); c.13858+36555G>T (NM_133437.4); c.13657+36555G>T (NM_133432.3); c.26866+1G>T (NM_133378.4); c.29647+1G>T (NM_001256850.1).
Identifiers: ClinVar variation 3757044 (VCV003757044.2).

ClinVar aggregate classification (germline): Likely pathogenic (1 of 4 stars; one submission).

Conditions:
Dilated cardiomyopathy 1G (CMD1G). Identifiers: Orphanet 154, MedGen C1858763, MONDO:0011400, OMIM 604145.
Autosomal recessive limb-girdle muscular dystrophy type 2J (LGMDR10). Also called: Limb-girdle muscular dystrophy, type 2J; MUSCULAR DYSTROPHY, LIMB-GIRDLE, AUTOSOMAL RECESSIVE 10. Identifiers: Orphanet 140922, MedGen C1837342, MONDO:0012127, OMIM 608807.

Submission:

Labcorp Genetics (formerly Invitae), Labcorp
Classification: Likely pathogenic for Dilated cardiomyopathy 1G; Autosomal recessive limb-girdle muscular dystrophy type 2J. Last evaluated: 2024-06-29. Review status: criteria provided, single submitter. Criteria: Invitae Variant Classification Sherloc (09022015). Collection method: clinical testing. Allele origin: germline.
Comment: This sequence change affects a donor splice site in intron 110 of the TTN gene. It is expected to disrupt RNA splicing and likely results in a truncated or disrupted TTN protein. This variant is not present in population databases (gnomAD no frequency). This variant has not been reported in the literature in individuals affected with TTN-related conditions. Algorithms developed to predict the effect of sequence changes on RNA splicing suggest that this variant may disrupt the consensus splice site. This variant is located in the I band of TTN (PMID: 25589632). Truncating variants in this region have been reported in individuals affected with autosomal recessive centronuclear myopathy (PMID: 23975875, Invitae internal data). Truncating variants in this region have also been identified in individuals affected with autosomal dominant dilated cardiomyopathy and/or cardio-related conditions (PMID: 27869827, 32964742, Invitae internal data). In summary, the currently available evidence indicates that the variant is pathogenic, but additional data are needed to prove that conclusively. Therefore, this variant has been classified as Likely Pathogenic.

Literature cited by the submitters: PubMed 25589632; PubMed 23975875; PubMed 27869827; PubMed 32964742.